The following is an entry in ClinVar:

ClinVar aggregate classification (germline): Uncertain significance (1 of 4 stars; one submission).

Conditions:
Hereditary cancer-predisposing syndrome. Also called: Hereditary neoplastic syndrome; Tumor predisposition; Hereditary Cancer Syndrome; Neoplastic Syndromes, Hereditary. Identifiers: Orphanet 140162, MedGen C0027672, MeSH D009386, MONDO:0015356.

Submission:

Color Diagnostics, LLC DBA Color Health
Classification: Uncertain significance for Hereditary cancer-predisposing syndrome. Last evaluated: 2023-12-04. Review status: criteria provided, single submitter. Criteria: ACMG Guidelines, 2015. Collection method: clinical testing. Allele origin: germline.
Comment: This missense variant replaces serine with cysteine at codon 518 of the CHEK2 protein. Computational prediction suggests that this variant may not impact protein structure and function (internally defined REVEL score threshold <= 0.5, PMID: 27666373). To our knowledge, functional studies have not been reported for this variant. This variant has not been reported in individuals affected with CHEK2-related disorders in the literature. This variant has not been identified in the general population by the Genome Aggregation Database (gnomAD). The available evidence is insufficient to determine the role of this variant in disease conclusively. Therefore, this variant is classified as a Variant of Uncertain Significance.

NM_007194.4(CHEK2):c.1552A>T (p.Ser518Cys)

Gene: CHEK2 (checkpoint kinase 2; minus strand). Cytogenetic location: 22q12.1.
Variant type: single nucleotide variant.
Coding change: c.1552A>T on transcript NM_007194.4 (MANE Select); coding-DNA position 1552, A replaced by T.
Protein change: p.Ser518Cys; replaces serine 518 with cysteine.
Molecular consequence: missense variant.
Genome position (GRCh38, 1-based): chr22:28,687,977, T>A on the plus strand (A>T on the coding strand, the complement: CHEK2 is on the minus strand). VCF-style: chr22-28687977-T-A. GRCh37 (hg19) VCF-style: chr22-29083965-T-A.
Other names: c.1681A>T, p.Ser561Cys (NM_001005735.3); c.889A>T, p.Ser297Cys (NM_001257387.3); c.1351A>T, p.Ser451Cys (NM_001349956.3); c.1465A>T, p.Ser489Cys (NM_145862.3); short protein forms S518C, S489C, S297C, S451C, S561C.
Identifiers: ClinVar variation 491607 (VCV000491607.4), dbSNP rs753560465, ClinGen allele CA411091452.
Genomic context (GRCh38, chr22:28,687,977, plus strand): 5'-CAGCTGGGCGCTTTGTGGTCTCGGCACCCTCGGCTTCCCCTTCACGGGGCCGCTTTCGAC[T>A]AGTAGAAGGCTGAAAATAAAGGAAAATGGAGAAATGTTCAAAAGAAAATCACTGGCTTCT-3'
Protein context (NP_009125.1, residues 508-528): LPQVLAQPST[Ser518Cys]RKRPREGEAE